The following is an entry in ClinVar:

ClinVar aggregate classification (germline): Uncertain significance. Review status: criteria provided, multiple submitters, no conflicts (2 of 4 stars). 2 submissions from 2 submitters: Uncertain significance (2). Last evaluated 2026-02-05.

Submissions (2):

GeneDx
Classification: Uncertain significance. Last evaluated: 2026-02-05. Review status: criteria provided, single submitter. Criteria: GeneDx Variant Classification Process June 2021. Collection method: clinical testing. Allele origin: germline.
Comment: In silico analysis supports that this missense variant has a deleterious effect on protein structure/function; Has not been previously published as pathogenic or benign to our knowledge

Ambry Genetics
Classification: Uncertain significance. Last evaluated: 2025-06-19. Review status: criteria provided, single submitter. Criteria: Ambry Variant Classification Scheme 2023. Collection method: clinical testing. Allele origin: germline.

NM_018685.5(ANLN):c.460C>T (p.Arg154Cys)

Gene: ANLN (anillin, actin binding protein; plus strand). Cytogenetic location: 7p14.2.
Variant type: single nucleotide variant.
Coding change: c.460C>T on transcript NM_018685.5 (MANE Select); coding-DNA position 460, C replaced by T.
Protein change: p.Arg154Cys; replaces arginine 154 with cysteine.
Molecular consequence: missense variant.
Genome position (GRCh38, 1-based): chr7:36,399,366, C>T. VCF-style: chr7-36399366-C-T. GRCh37 (hg19) VCF-style: chr7-36438975-C-T.
Other names: c.460C>T (NM_018685.4); c.460C>T, p.Arg154Cys (NM_001284301.3, NM_001284302.3); short protein forms R154C.
Identifiers: ClinVar variation 4110156 (VCV004110156.2).